The following is an entry in ClinVar:

NM_145207.3(AFG2A):c.763C>A (p.Pro255Thr)

Gene: AFG2A (AAA ATPase AFG2A; plus strand). Cytogenetic location: 4q28.1.
Variant type: single nucleotide variant.
Coding change: c.763C>A on transcript NM_145207.3 (MANE Select); coding-DNA position 763, C replaced by A.
Protein change: p.Pro255Thr; replaces proline 255 with threonine.
Molecular consequence: missense variant.
Genome position (GRCh38, 1-based): chr4:122,934,354, C>A. VCF-style: chr4-122934354-C-A. GRCh37 (hg19) VCF-style: chr4-123855509-C-A.
Other names: c.760C>A, p.Pro254Thr (NM_001317799.2, NM_001345856.2); short protein forms P254T, P255T.
Identifiers: ClinVar variation 1036416 (VCV001036416.3), dbSNP rs1405585813, ClinGen allele CA358101988.

ClinVar aggregate classification (germline): Uncertain significance (1 of 4 stars; one submission).

Conditions:
Microcephaly-intellectual disability-sensorineural hearing loss-epilepsy-abnormal muscle tone syndrome (NEDHSB). Also called: NEURODEVELOPMENTAL DISORDER WITH HEARING LOSS, SEIZURES, AND BRAIN ABNORMALITIES. Identifiers: Orphanet 457351, MedGen C4225276, MONDO:0014698, OMIM 616577.

Allele frequency attached by ClinVar (database versions not stated): gnomAD exomes below 0.00001; gnomAD 0.00001.
gnomAD v4.1: 19 of 1,614,048 alleles (0.0012%); highest among the groups gnomAD compares: Admixed American, 0.0067%; no homozygotes.

Submission:

Labcorp Genetics (formerly Invitae), Labcorp
Classification: Uncertain significance for Microcephaly-intellectual disability-sensorineural hearing loss-epilepsy-abnormal muscle tone syndrome. Last evaluated: 2025-02-24. Review status: criteria provided, single submitter. Criteria: Invitae Variant Classification Sherloc (09022015). Collection method: clinical testing. Allele origin: germline.
Comment: This sequence change replaces proline, which is neutral and non-polar, with threonine, which is neutral and polar, at codon 255 of the SPATA5 protein (p.Pro255Thr). This variant is present in population databases (no rsID available, gnomAD 0.002%). This variant has not been reported in the literature in individuals affected with SPATA5-related conditions. ClinVar contains an entry for this variant (Variation ID: 1036416). Invitae Evidence Modeling of protein sequence and biophysical properties (such as structural, functional, and spatial information, amino acid conservation, physicochemical variation, residue mobility, and thermodynamic stability) indicates that this missense variant is not expected to disrupt SPATA5 protein function with a negative predictive value of 95%. In summary, the available evidence is currently insufficient to determine the role of this variant in disease. Therefore, it has been classified as a Variant of Uncertain Significance.